The following is an entry in ClinVar:

NM_020631.6(PLEKHG5):c.2918C>A (p.Pro973Gln)

Gene: PLEKHG5 (pleckstrin homology and RhoGEF domain containing G5; minus strand). Cytogenetic location: 1p36.31.
Variant type: single nucleotide variant.
Coding change: c.2918C>A on transcript NM_020631.6 (MANE Select); coding-DNA position 2918, C replaced by A.
Protein change: p.Pro973Gln; replaces proline 973 with glutamine.
Molecular consequence: missense variant. On other transcripts: intron variant (1).
Genome position (GRCh38, 1-based): chr1:6,467,918, G>T on the plus strand (C>A on the coding strand, the complement: PLEKHG5 is on the minus strand). VCF-style: chr1-6467918-G-T. GRCh37 (hg19) VCF-style: chr1-6527978-G-T.
Other names: c.3029C>A, p.Pro1010Gln (NM_001042663.3, NM_001265592.2); c.2918C>A, p.Pro973Gln (NM_001042664.2, NM_001042665.2, NM_198681.4); c.3125C>A, p.Pro1042Gln (NM_001265593.2); c.2738-20C>A (NM_001265594.3); short protein forms P1042Q, P1010Q, P973Q.
Identifiers: ClinVar variation 1797647 (VCV001797647.2), dbSNP rs1644435870, ClinGen allele CA338113985.

ClinVar aggregate classification (germline): Uncertain significance (1 of 4 stars; one submission).

Conditions:
Inborn genetic diseases. Identifiers: MedGen C0950123, MeSH D030342.

Allele frequency attached by ClinVar (database versions not stated): gnomAD exomes below 0.00001.
gnomAD v4.1: 1 of 1,597,678 alleles (0.000063%); highest among the groups gnomAD compares: Non-Finnish European, 0.000085%; no homozygotes.

Submission:

Ambry Genetics
Classification: Uncertain significance for Inborn genetic diseases. Last evaluated: 2019-12-23. Review status: criteria provided, single submitter. Criteria: Ambry Variant Classification Scheme 2023. Collection method: clinical testing. Allele origin: germline.
Comment: The p.P973Q variant (also known as c.2918C>A), located in coding exon 19 of the PLEKHG5 gene, results from a C to A substitution at nucleotide position 2918. The proline at codon 973 is replaced by glutamine, an amino acid with similar properties. This amino acid position is not well conserved in available vertebrate species. In addition, this alteration is predicted to be tolerated by in silico analysis. Since supporting evidence is limited at this time, the clinical significance of this alteration remains unclear.